The following is an entry in ClinVar:

ClinVar aggregate classification (germline): Benign. Review status: criteria provided, multiple submitters, no conflicts (2 of 4 stars). 6 submissions from 6 submitters: Benign (5). 1 of the submissions does not count toward it. Last evaluated 2026-02-01.

Conditions:
CTU2-related disorder. Also called: CTU2-related condition.
Microcephaly, facial dysmorphism, renal agenesis, and ambiguous genitalia syndrome. Identifiers: MedGen C4748348, MONDO:0020647, OMIM 618142.

Allele frequency attached by ClinVar (database versions not stated): 1000 Genomes Project 30x 0.87180; 1000 Genomes Project 0.87181; gnomAD 0.87980 and 0.87988; TOPMed 0.88052; ESP Exome Variant Server 0.88747; gnomAD exomes 0.89229; ExAC 0.89291.
gnomAD v4.1: 1,434,000 of 1,608,276 alleles (89%); highest among the groups gnomAD compares: Middle Eastern, 93%; 639,706 homozygotes.

Submissions (6):

Labcorp Genetics (formerly Invitae), Labcorp
Classification: Benign. Last evaluated: 2026-02-01. Review status: criteria provided, single submitter. Criteria: Invitae Variant Classification Sherloc (09022015). Collection method: clinical testing. Allele origin: germline.

Blueprint Genetics
Classification: Benign. Last evaluated: 2024-11-27. Review status: criteria provided, single submitter. Criteria: ACMG Guidelines, 2015. Collection method: clinical testing. Allele origin: germline.

Genome-Nilou Lab
Classification: Benign for Microcephaly, facial dysmorphism, renal agenesis, and ambiguous genitalia syndrome. Last evaluated: 2021-07-30. Review status: criteria provided, single submitter. Criteria: ACMG Guidelines, 2015. Collection method: clinical testing. Allele origin: germline. Affected: no.

GeneDx
Classification: Benign. Last evaluated: 2021-04-22. Review status: criteria provided, single submitter. Criteria: GeneDx Variant Classification Process June 2021. Collection method: clinical testing. Allele origin: germline. Affected: yes.

Breakthrough Genomics
Classification: Benign. Review status: criteria provided, single submitter. Criteria: ACMG Guidelines, 2015. Collection method: not provided. Allele origin: germline. Inheritance: Autosomal recessive inheritance. Affected: yes.

PreventionGenetics, part of Exact Sciences
Classification: Benign for CTU2-related condition. Last evaluated: 2023-02-01. Review status: no assertion criteria provided. Collection method: clinical testing. Allele origin: germline. Not counted in ClinVar's aggregate classification.
Comment: This variant is classified as benign based on ACMG/AMP sequence variant interpretation guidelines (Richards et al. 2015 PMID: 25741868, with internal and published modifications).

NM_001012759.3(CTU2):c.1332T>C (p.Cys444=)

Gene: CTU2 (cytosolic thiouridylase subunit 2; plus strand). Cytogenetic location: 16q24.3.
Variant type: single nucleotide variant.
Coding change: c.1332T>C on transcript NM_001012759.3 (MANE Select); coding-DNA position 1332, T replaced by C.
Protein change: p.Cys444=; no amino-acid change (cysteine 444 retained).
Molecular consequence: synonymous variant.
Genome position (GRCh38, 1-based): chr16:88,714,717, T>C. VCF-style: chr16-88714717-T-C. GRCh37 (hg19) VCF-style: chr16-88781125-T-C.
Other names: c.1332T>C, p.Cys444= (NM_001012762.3); c.1545T>C, p.Cys515= (NM_001318507.2); c.1071T>C, p.Cys357= (NM_001318513.2).
Identifiers: ClinVar variation 1251287 (VCV001251287.16), dbSNP rs8043637, ClinGen allele CA8231018.